The following is an entry in ClinVar:

ClinVar aggregate classification (germline): Uncertain significance (1 of 4 stars; one submission).

gnomAD v4.1: 2 of 1,614,064 alleles (0.00012%); highest among the groups gnomAD compares: Non-Finnish European, 0.00017%; no homozygotes.

Submission:

CeGaT Center for Human Genetics Tuebingen
Classification: Uncertain significance. Last evaluated: 2026-02-01. Review status: criteria provided, single submitter. Criteria: CeGaT Center For Human Genetics Tuebingen Variant Classification Criteria Version 2. Collection method: clinical testing. Allele origin: germline. Affected: yes. Observed: 1 variant allele.
Comment: SVIL: PM2:Supporting, BP4

NM_021738.3(SVIL):c.3324G>A (p.Glu1108=)

Gene: SVIL (supervillin; minus strand). Cytogenetic location: 10p11.23.
Variant type: single nucleotide variant.
Coding change: c.3324G>A on transcript NM_021738.3 (MANE Select); coding-DNA position 3324, G replaced by A.
Protein change: p.Glu1108=; no amino-acid change (glutamic acid 1108 retained).
Molecular consequence: synonymous variant.
Genome position (GRCh38, 1-based): chr10:29,522,475, C>T on the plus strand (G>A on the coding strand, the complement: SVIL is on the minus strand). VCF-style: chr10-29522475-C-T. GRCh37 (hg19) VCF-style: chr10-29811404-C-T.
Other names: c.2046G>A, p.Glu682= (NM_003174.3); c.2394G>A, p.Glu798= (NM_001323599.2); c.2142G>A, p.Glu714= (NM_001323600.1).
Identifiers: ClinVar variation 4823251 (VCV004823251.4).